The following is an entry in ClinVar:

NM_001286.5(CLCN6):c.2457C>A (p.His819Gln)

Genes: CLCN6 (chloride voltage-gated channel 6; plus strand), LOC129929417 (ATAC-STARR-seq lymphoblastoid active region 178; plus strand). Cytogenetic location: 1p36.22.
Variant type: single nucleotide variant.
Coding change: c.2457C>A on transcript NM_001286.5 (MANE Select); coding-DNA position 2457, C replaced by A.
Protein change: p.His819Gln; replaces histidine 819 with glutamine.
Molecular consequence: missense variant. On other transcripts: non-coding transcript variant (1).
Genome position (GRCh38, 1-based): chr1:11,838,588, C>A. VCF-style: chr1-11838588-C-A. GRCh37 (hg19) VCF-style: chr1-11898645-C-A.
Other names: c.2391C>A, p.His797Gln (NM_001256959.2); short protein forms H819Q, H797Q.
Identifiers: ClinVar variation 1370353 (VCV001370353.8), dbSNP rs758958333, ClinGen allele CA338443618.
Genomic context (GRCh38, chr1:11,838,588, plus strand): 5'-TTTGCAGGATGTCACCCCATACATGAACCCTTCGCCTTTCACCGTCTCGCCCAACACCCA[C>A]GTCTCCCAAGTCTTCAACCTGTTCAGAACGATGGGCCTGCGCCACCTGCCCGTGGTGAAC-3'
Protein context (NP_001277.2, residues 809-829): PSPFTVSPNT[His819Gln]VSQVFNLFRT

ClinVar aggregate classification (germline): Uncertain significance (1 of 4 stars; one submission).

gnomAD v4.1: 1 of 1,613,574 alleles (0.000062%); no homozygotes.

Submission:

Labcorp Genetics (formerly Invitae), Labcorp
Classification: Uncertain significance. Last evaluated: 2022-03-19. Review status: criteria provided, single submitter. Criteria: Invitae Variant Classification Sherloc (09022015). Collection method: clinical testing. Allele origin: germline.
Comment: Algorithms developed to predict the effect of missense changes on protein structure and function (SIFT, PolyPhen-2, Align-GVGD) all suggest that this variant is likely to be tolerated. In summary, the available evidence is currently insufficient to determine the role of this variant in disease. Therefore, it has been classified as a Variant of Uncertain Significance. This variant has not been reported in the literature in individuals affected with CLCN6-related conditions. This variant is not present in population databases (gnomAD no frequency). This sequence change replaces histidine, which is basic and polar, with glutamine, which is neutral and polar, at codon 819 of the CLCN6 protein (p.His819Gln).